The following is an entry in ClinVar:

NM_015915.5(ATL1):c.271A>C (p.Met91Leu)

Gene: ATL1 (atlastin GTPase 1; plus strand). Cytogenetic location: 14q22.1.
Variant type: single nucleotide variant.
Coding change: c.271A>C on transcript NM_015915.5 (MANE Select); coding-DNA position 271, A replaced by C.
Protein change: p.Met91Leu; replaces methionine 91 with leucine.
Molecular consequence: missense variant.
Genome position (GRCh38, 1-based): chr14:50,588,067, A>C. VCF-style: chr14-50588067-A-C. GRCh37 (hg19) VCF-style: chr14-51054785-A-C.
Other names: c.271A>C, p.Met91Leu (NM_001127713.1, NM_181598.4); short protein forms M91L.
Identifiers: ClinVar variation 2009783 (VCV002009783.4), dbSNP rs985606716, ClinGen allele CA389666061.

ClinVar aggregate classification (germline): Uncertain significance (1 of 4 stars; one submission).

Conditions:
Hereditary spastic paraplegia 3A (SPG3A). Also called: Spastic Paraplegia 3A; SPASTIC PARAPLEGIA 3, AUTOSOMAL DOMINANT; FAMILIAL SPASTIC PARAPLEGIA, AUTOSOMAL DOMINANT, 1; SPG3; STRUMPELL DISEASE; Spastic paraplegia 3A, autosomal dominant. Identifiers: Orphanet 100984, MedGen C2931355, MONDO:0008437, OMIM 182600.

Allele frequency attached by ClinVar (database versions not stated): gnomAD exomes 0.00001.
gnomAD v4.1: 3 of 1,614,220 alleles (0.00019%); highest among the groups gnomAD compares: Non-Finnish European, 0.00025%; no homozygotes.

Submission:

Labcorp Genetics (formerly Invitae), Labcorp
Classification: Uncertain significance for Hereditary spastic paraplegia 3A. Last evaluated: 2024-10-24. Review status: criteria provided, single submitter. Criteria: Invitae Variant Classification Sherloc (09022015). Collection method: clinical testing. Allele origin: germline.
Comment: This sequence change replaces methionine, which is neutral and non-polar, with leucine, which is neutral and non-polar, at codon 91 of the ATL1 protein (p.Met91Leu). This variant is not present in population databases (gnomAD no frequency). This variant has not been reported in the literature in individuals affected with ATL1-related conditions. ClinVar contains an entry for this variant (Variation ID: 2009783). Invitae Evidence Modeling of protein sequence and biophysical properties (such as structural, functional, and spatial information, amino acid conservation, physicochemical variation, residue mobility, and thermodynamic stability) has been performed for this missense variant. However, the output from this modeling did not meet the statistical confidence thresholds required to predict the impact of this variant on ATL1 protein function. In summary, the available evidence is currently insufficient to determine the role of this variant in disease. Therefore, it has been classified as a Variant of Uncertain Significance.